The following is an entry in ClinVar:

NM_001378615.1(CC2D2A):c.2292T>G (p.Phe764Leu)

Genes: CC2D2A (coiled-coil and C2 domain containing 2A; plus strand), FBXL5 (F-box and leucine rich repeat protein 5; minus strand). Cytogenetic location: 4p15.32.
Variant type: single nucleotide variant.
Coding change: c.2292T>G on transcript NM_001378615.1 (MANE Select); coding-DNA position 2292, T replaced by G.
Protein change: p.Phe764Leu; replaces phenylalanine 764 with leucine.
Molecular consequence: missense variant.
Genome position (GRCh38, 1-based): chr4:15,550,934, T>G. VCF-style: chr4-15550934-T-G. GRCh37 (hg19) VCF-style: chr4-15552557-T-G.
Other names: p.Phe764Leu; c.2292T>G, p.Phe764Leu (NM_001080522.2); c.2145T>G, p.Phe715Leu (NM_001378617.1); short protein forms F764L, F715L.
Identifiers: ClinVar variation 4540978 (VCV004540978.1).
Genomic context (GRCh38, chr4:15,550,934, plus strand): 5'-TCTGCCTATTCCTGAGACTACTGTTGTCACTGGAAGGGCTCCTACTGAAGAAGTGGAGTT[T>G]AGCAGTAATCAGCATGTGACACTGGACCACGAGGGAGTTGGAAGTGGTATGGAAAGCTAA-3'
Protein context (NP_001365544.1, residues 754-774): TGRAPTEEVE[Phe764Leu]SSNQHVTLDH

ClinVar aggregate classification (germline): Uncertain significance (1 of 4 stars; one submission).

gnomAD v4.1: 7 of 1,607,978 alleles (0.00044%); highest among the groups gnomAD compares: Non-Finnish European, 0.00051%; no homozygotes.

Submission:

Mayo Clinic Laboratories, Mayo Clinic
Classification: Uncertain significance. Last evaluated: 2025-09-26. Review status: criteria provided, single submitter. Criteria: ACMG Guidelines, 2015. Collection method: clinical testing. Allele origin: germline. Observed: 1 variant allele.
Comment: BP5, PP3, PM2_supporting